The following is an entry in ClinVar:

NM_000535.7(PMS2):c.1566C>T (p.Ser522=)

Gene: PMS2 (PMS1 homolog 2, mismatch repair system component; minus strand). Cytogenetic location: 7p22.1.
Variant type: single nucleotide variant.
Coding change: c.1566C>T on transcript NM_000535.7 (MANE Select); coding-DNA position 1566, C replaced by T.
Protein change: p.Ser522=; no amino-acid change (serine 522 retained).
Molecular consequence: synonymous variant. On other transcripts: non-coding transcript variant (1), intron variant (1).
Genome position (GRCh38, 1-based): chr7:5,987,199, G>A on the plus strand (C>T on the coding strand, the complement: PMS2 is on the minus strand). VCF-style: chr7-5987199-G-A. GRCh37 (hg19) VCF-style: chr7-6026830-G-A.
Other names: c.1368C>T, p.Ser456= (NM_001406873.1); c.1398C>T, p.Ser466= (NM_001406874.1); c.1257C>T, p.Ser419= (NM_001406875.1, NM_001406877.1, NM_001406878.1 and 5 more transcripts); c.1248C>T, p.Ser416= (NM_001406876.1, NM_001406883.1, NM_001406903.1 and 2 more transcripts); c.1242C>T, p.Ser414= (NM_001406884.1); c.1230C>T, p.Ser410= (NM_001406885.1); c.1200C>T, p.Ser400= (NM_001406886.1); c.1161C>T, p.Ser387= (NM_001406887.1, NM_001406888.1, NM_001406889.1 and 17 more transcripts); and 13 more.
Identifiers: ClinVar variation 1775378 (VCV001775378.6), dbSNP rs2128727855, ClinGen allele CA453747364.

ClinVar aggregate classification (germline): Benign/Likely benign. Review status: criteria provided, multiple submitters, no conflicts (2 of 4 stars). 3 submissions from 3 submitters: Benign (1); Likely benign (2). Last evaluated 2025-11-12.

Conditions:
Hereditary cancer-predisposing syndrome. Also called: Hereditary Cancer Syndrome; Hereditary neoplastic syndrome; Neoplastic Syndromes, Hereditary; Tumor predisposition. Identifiers: Orphanet 140162, MedGen C0027672, MeSH D009386, MONDO:0015356.
Hereditary nonpolyposis colorectal neoplasms. Identifiers: MedGen C0009405, MeSH D003123.
Lynch syndrome 4 (LYNCH4). Also called: Hereditary non-polyposis colorectal cancer, type 4; Colorectal cancer, hereditary nonpolyposis, type 4. Identifiers: Orphanet 144, MedGen C1838333, MONDO:0013699, OMIM 614337. Disease mechanism: loss of function.

Submissions (3):

Labcorp Genetics (formerly Invitae), Labcorp
Classification: Likely benign for Hereditary nonpolyposis colorectal neoplasms. Last evaluated: 2025-11-12. Review status: criteria provided, single submitter. Criteria: Invitae Variant Classification Sherloc (09022015). Collection method: clinical testing. Allele origin: germline.

Myriad Genetics, Inc.
Classification: Benign for Lynch syndrome 4. Last evaluated: 2025-01-30. Review status: criteria provided, single submitter. Criteria: Myriad Autosomal Dominant, Autosomal Recessive and X-Linked Classification Criteria (2023). Collection method: clinical testing. Allele origin: unknown.
Comment: This variant is considered benign. This variant is a silent/synonymous amino acid change and it is not expected to impact splicing.

Ambry Genetics
Classification: Likely benign for Hereditary cancer-predisposing syndrome. Last evaluated: 2019-03-26. Review status: criteria provided, single submitter. Criteria: Ambry Variant Classification Scheme 2023. Collection method: clinical testing. Allele origin: germline.